The following is an entry in ClinVar:

NM_000548.5(TSC2):c.2561C>T (p.Pro854Leu)

Gene: TSC2 (TSC complex subunit 2; plus strand). Cytogenetic location: 16p13.3.
Variant type: single nucleotide variant.
Coding change: c.2561C>T on transcript NM_000548.5 (MANE Select); coding-DNA position 2561, C replaced by T.
Protein change: p.Pro854Leu; replaces proline 854 with leucine.
Molecular consequence: missense variant.
Genome position (GRCh38, 1-based): chr16:2,075,814, C>T. VCF-style: chr16-2075814-C-T. GRCh37 (hg19) VCF-style: chr16-2125815-C-T.
Other names: c.2561C>T, p.Pro854Leu (NM_001077183.3, NM_001114382.3, NM_001363528.2 and 3 more transcripts); c.2450C>T, p.Pro817Leu (NM_001318827.2); c.2414C>T, p.Pro805Leu (NM_001318829.2); c.1961C>T, p.Pro654Leu (NM_001318831.2); c.2594C>T, p.Pro865Leu (NM_001318832.2); short protein forms P854L, P817L, P805L, P654L, P865L.
Identifiers: ClinVar variation 467951 (VCV000467951.20), dbSNP rs1180511535, ClinGen allele CA394278313.

ClinVar aggregate classification (germline): Conflicting classifications of pathogenicity. Review status: criteria provided, conflicting classifications (1 of 4 stars). 7 submissions from 7 submitters: Uncertain significance (4); Likely benign (3). Last evaluated 2026-10-01.

Conditions:
Hereditary cancer-predisposing syndrome. Also called: Hereditary neoplastic syndrome; Tumor predisposition; Neoplastic Syndromes, Hereditary; Hereditary Cancer Syndrome. Identifiers: Orphanet 140162, MedGen C0027672, MeSH D009386, MONDO:0015356.
Tuberous sclerosis syndrome (TSC). Also called: Tuberous Sclerosis Complex; Tuberous sclerosis. Identifiers: Orphanet 805, MedGen C0041341, MONDO:0001734.
Tuberous sclerosis 2 (TSC2). Identifiers: Orphanet 805, MedGen C1860707, MONDO:0013199, OMIM 613254.

Allele frequency attached by ClinVar (database versions not stated): gnomAD 0.00001; gnomAD exomes 0.00001 and 0.00004; TOPMed 0.00001.
gnomAD v4.1: 57 of 1,612,694 alleles (0.0035%); highest among the groups gnomAD compares: Non-Finnish European, 0.0043%; no homozygotes.

Submissions (7):

St. Jude Molecular Pathology, St. Jude Children's Research Hospital
Classification: Uncertain significance for Tuberous sclerosis 2. Last evaluated: 2026-10-01. Review status: criteria provided, single submitter. Criteria: St. Jude Assertion Criteria 2020. Collection method: clinical testing. Allele origin: germline.
Comment: The TSC2 c.2561C>T p.(Pro854Leu) missense change has a maximum subpopulation frequency of 0.003% in gnomAD v2.1.1. The in silico tool REVEL predicts a deleterious effect on p rotein function, but to our knowledge this prediction has not been confirmed by functional studies. To our knowledge, this variant has not been reported in individuals with tuberous sclerosis complex. In summary, the evidence currently available is insuf ficient to determine the clinical significance of this variant. It has therefore been classified as of uncertain significance (VUS-Low).

Labcorp Genetics (formerly Invitae), Labcorp
Classification: Likely benign for Tuberous sclerosis 2. Last evaluated: 2026-01-10. Review status: criteria provided, single submitter. Criteria: Invitae Variant Classification Sherloc (09022015). Collection method: clinical testing. Allele origin: germline.

GeneDx
Classification: Uncertain significance. Last evaluated: 2024-08-27. Review status: criteria provided, single submitter. Criteria: GeneDx Variant Classification Process June 2021. Collection method: clinical testing. Allele origin: germline. Affected: yes.
Comment: In silico analysis supports that this missense variant has a deleterious effect on protein structure/function; Observed in an individual with pulmonary arterial hypertension and ventricular septal defect (PMID: 30029678); This variant is associated with the following publications: (PMID: 34426522, 29641532, 30029678)

Color Diagnostics, LLC DBA Color Health
Classification: Uncertain significance for Tuberous sclerosis syndrome. Last evaluated: 2024-07-11. Review status: criteria provided, single submitter. Criteria: ACMG Guidelines, 2015. Collection method: clinical testing. Allele origin: germline.
Comment: This missense variant replaces proline with leucine at codon 854 of the TSC2 protein. Computational prediction suggests that this variant may have deleterious impact on protein structure and function). To our knowledge, functional studies have not been reported for this variant. This variant has not been reported in individuals affected with TSC2-related disorders in the literature. This variant has been identified in 2/250124 chromosomes in the general population by the Genome Aggregation Database (gnomAD). The available evidence is insufficient to determine the role of this variant in disease conclusively. Therefore, this variant is classified as a Variant of Uncertain Significance.

Ambry Genetics
Classification: Likely benign for Hereditary cancer-predisposing syndrome. Last evaluated: 2023-10-03. Review status: criteria provided, single submitter. Criteria: Ambry Variant Classification Scheme 2023. Collection method: clinical testing. Allele origin: germline.

All of Us Research Program, National Institutes of Health
Classification: Uncertain significance for Tuberous sclerosis syndrome. Last evaluated: 2023-03-04. Review status: criteria provided, single submitter. Criteria: ACMG Guidelines, 2015. Collection method: clinical testing. Allele origin: germline. Inheritance: Autosomal dominant inheritance. Observed: 1 variant allele, 1 heterozygote.
Comment: This study involves interpretation of variants in research participants for the purpose of population health screening. Participant phenotype was not available at the time of variant classification. Additional details can be found in publication PMID: 35346344, PMCID: PMC8962531

Genome-Nilou Lab
Classification: Likely benign for Tuberous sclerosis 2. Last evaluated: 2021-11-07. Review status: criteria provided, single submitter. Criteria: ACMG Guidelines, 2015. Collection method: clinical testing. Allele origin: germline. Affected: no.

Literature cited by the submitters: PubMed 29641532 (cited by Ambry Genetics).